The following is an entry in ClinVar:

ClinVar aggregate classification (germline): Uncertain significance (1 of 4 stars; one submission).

Conditions:
Myopathy, proximal, and ophthalmoplegia (CMYO6). Also called: INCLUSION BODY MYOPATHY 3, AUTOSOMAL DOMINANT; MYOPATHY WITH CONGENITAL JOINT CONTRACTURES, OPHTHALMOPLEGIA, AND RIMMED VACUOLES; CONGENITAL MYOPATHY 6 WITH OPHTHALMOPLEGIA. Identifiers: Orphanet 363677, Orphanet 79091, MedGen C1854106, MONDO:0011577, OMIM 605637.

gnomAD v4.1: 4 of 1,614,040 alleles (0.00025%); highest among the groups gnomAD compares: African/African-American, 0.004%; no homozygotes.

Submission:

Labcorp Genetics (formerly Invitae), Labcorp
Classification: Uncertain significance for Myopathy, proximal, and ophthalmoplegia. Last evaluated: 2025-07-21. Review status: criteria provided, single submitter. Criteria: Invitae Variant Classification Sherloc (09022015). Collection method: clinical testing. Allele origin: germline.
Comment: This sequence change replaces glutamic acid, which is acidic and polar, with aspartic acid, which is acidic and polar, at codon 1157 of the MYH2 protein (p.Glu1157Asp). This variant is present in population databases (rs749196519, gnomAD 0.007%). This variant has not been reported in the literature in individuals affected with MYH2-related conditions. Invitae Evidence Modeling of protein sequence and biophysical properties (such as structural, functional, and spatial information, amino acid conservation, physicochemical variation, residue mobility, and thermodynamic stability) indicates that this missense variant is not expected to disrupt MYH2 protein function with a negative predictive value of 80%. In summary, the available evidence is currently insufficient to determine the role of this variant in disease. Therefore, it has been classified as a Variant of Uncertain Significance.

NM_017534.6(MYH2):c.3471A>T (p.Glu1157Asp)

Genes: MYH2 (myosin heavy chain 2; minus strand), MYHAS (myosin heavy chain gene cluster antisense RNA; plus strand). Cytogenetic location: 17p13.1.
Variant type: single nucleotide variant.
Coding change: c.3471A>T on transcript NM_017534.6 (MANE Select); coding-DNA position 3471, A replaced by T.
Protein change: p.Glu1157Asp; replaces glutamic acid 1157 with aspartic acid.
Molecular consequence: missense variant.
Genome position (GRCh38, 1-based): chr17:10,528,963, T>A on the plus strand (A>T on the coding strand, the complement: MYH2 is on the minus strand). VCF-style: chr17-10528963-T-A. GRCh37 (hg19) VCF-style: chr17-10432280-T-A.
Other names: c.3471A>T, p.Glu1157Asp (NM_001100112.2); short protein forms E1157D.
Identifiers: ClinVar variation 4695923 (VCV004695923.1).